The following is an entry in ClinVar:

NM_022765.4(MICAL1):c.986C>G (p.Ala329Gly)

Gene: MICAL1 (microtubule associated monooxygenase, calponin and LIM domain containing 1; minus strand). Cytogenetic location: 6q21.
Variant type: single nucleotide variant.
Coding change: c.986C>G on transcript NM_022765.4 (MANE Select); coding-DNA position 986, C replaced by G.
Protein change: p.Ala329Gly; replaces alanine 329 with glycine.
Molecular consequence: missense variant. On other transcripts: intron variant (1).
Genome position (GRCh38, 1-based): chr6:109,450,505, G>C on the plus strand (C>G on the coding strand, the complement: MICAL1 is on the minus strand). VCF-style: chr6-109450505-G-C. GRCh37 (hg19) VCF-style: chr6-109771708-G-C.
Other names: c.1043C>G, p.Ala348Gly (NM_001286613.2); c.934-420C>G (NM_001159291.2); short protein forms A329G, A348G.
Identifiers: ClinVar variation 2956168 (VCV002956168.3), dbSNP rs745716091, ClinGen allele CA3953532.
Genomic context (GRCh38, chr6:109,450,505, plus strand): 5'-AGTTTCCCGAGCTTGCCATGGGTGGCAAAGTCAGCAGCTGCCCGGGTAAAGCGCTGCAGA[G>C]CCTCGGGCACCACATTGGCACTGCCCAGCAGCCGATTGGTGTCTGGCCAGTCCTGTATGG-3'
Protein context (NP_073602.3, residues 319-339): LLGSANVVPE[Ala329Gly]LQRFTRAAAD

ClinVar aggregate classification (germline): Uncertain significance (1 of 4 stars; one submission).

Allele frequency attached by ClinVar (database versions not stated): TOPMed 0.00001; gnomAD 0.00002; ExAC 0.00005.
gnomAD v4.1: 32 of 1,612,858 alleles (0.002%); highest among the groups gnomAD compares: South Asian, 0.034%; 2 homozygotes.

Submission:

Labcorp Genetics (formerly Invitae), Labcorp
Classification: Uncertain significance. Last evaluated: 2023-06-14. Review status: criteria provided, single submitter. Criteria: Invitae Variant Classification Sherloc (09022015). Collection method: clinical testing. Allele origin: germline.
Comment: This variant is present in population databases (rs745716091, gnomAD 0.03%). In summary, the available evidence is currently insufficient to determine the role of this variant in disease. Therefore, it has been classified as a Variant of Uncertain Significance. An algorithm developed to predict the effect of missense changes on protein structure and function (PolyPhen-2) suggests that this variant is likely to be disruptive. This variant has not been reported in the literature in individuals affected with MICAL1-related conditions. This sequence change replaces alanine, which is neutral and non-polar, with glycine, which is neutral and non-polar, at codon 348 of the MICAL1 protein (p.Ala348Gly).